The following is an entry in ClinVar:

ClinVar aggregate classification (germline): Uncertain significance (1 of 4 stars; one submission).

Conditions:
Hereditary cancer-predisposing syndrome. Also called: Neoplastic Syndromes, Hereditary; Tumor predisposition; Hereditary Cancer Syndrome; Hereditary neoplastic syndrome. Identifiers: Orphanet 140162, MedGen C0027672, MeSH D009386, MONDO:0015356.

Submission:

Ambry Genetics
Classification: Uncertain significance for Hereditary cancer-predisposing syndrome. Last evaluated: 2025-10-16. Review status: criteria provided, single submitter. Criteria: Ambry Variant Classification Scheme 2023. Collection method: clinical testing. Allele origin: germline.
Comment: The p.I923T variant (also known as c.2768T>C), located in coding exon 23 of the EGFR gene, results from a T to C substitution at nucleotide position 2768. The isoleucine at codon 923 is replaced by threonine, an amino acid with similar properties. This amino acid position is conserved. In addition, this alteration is predicted to be deleterious by in silico analysis. Based on the available evidence, the clinical significance of this variant remains unclear.

NM_005228.5(EGFR):c.2768T>C (p.Ile923Thr)

Gene: EGFR (epidermal growth factor receptor; plus strand). Cytogenetic location: 7p11.2.
Variant type: single nucleotide variant.
Coding change: c.2768T>C on transcript NM_005228.5 (MANE Select); coding-DNA position 2768, T replaced by C.
Protein change: p.Ile923Thr; replaces isoleucine 923 with threonine.
Molecular consequence: missense variant.
Genome position (GRCh38, 1-based): chr7:55,198,783, T>C. VCF-style: chr7-55198783-T-C. GRCh37 (hg19) VCF-style: chr7-55266476-T-C.
Other names: c.2633T>C, p.Ile878Thr (NM_001346897.2, NM_001346899.2); c.2768T>C, p.Ile923Thr (NM_001346898.2); c.2609T>C, p.Ile870Thr (NM_001346900.2); c.1967T>C, p.Ile656Thr (NM_001346941.2); short protein forms I656T, I870T, I923T, I878T.
Identifiers: ClinVar variation 4638949 (VCV004638949.1).